The following is an entry in ClinVar:

ClinVar aggregate classification (germline): Likely benign. Review status: criteria provided, single submitter (1 of 4 stars). 2 submissions from 2 submitters: Likely benign (1). 1 of the submissions does not count toward it. Last evaluated 2026-01-19.

Conditions:
CYP7B1-related disorder. Also called: CYP7B1-related condition.
Spastic paraplegia. Identifiers: MedGen C0037772, HP:0001258.

Allele frequency attached by ClinVar (database versions not stated): gnomAD 0.00011; gnomAD exomes 0.00012; ExAC 0.00048.

Submissions (2):

Labcorp Genetics (formerly Invitae), Labcorp
Classification: Likely benign for Spastic paraplegia. Last evaluated: 2026-01-19. Review status: criteria provided, single submitter. Criteria: Invitae Variant Classification Sherloc (09022015). Collection method: clinical testing. Allele origin: germline.

PreventionGenetics, part of Exact Sciences
Classification: Likely benign for CYP7B1-related condition. Last evaluated: 2021-08-23. Review status: no assertion criteria provided. Collection method: clinical testing. Allele origin: germline. Not counted in ClinVar's aggregate classification.
Comment: This variant is classified as likely benign based on ACMG/AMP sequence variant interpretation guidelines (Richards et al. 2015 PMID: 25741868, with internal and published modifications).

NM_004820.5(CYP7B1):c.260-15_260-14insC

Gene: CYP7B1 (cytochrome P450 family 7 subfamily B member 1; minus strand). Cytogenetic location: 8q12.3.
Variant type: Insertion.
Coding change: c.260-15_260-14insC on transcript NM_004820.5 (MANE Select); 15 bases into the intron before coding-DNA position 260 through 14 bases into the intron before coding-DNA position 260, C inserted.
Molecular consequence: intron variant.
Genome position: GRCh38 VCF-style: chr8-64616295-A-AG. GRCh37 (hg19) VCF-style: chr8-65528852-A-AG.
Other names: c.260-15_260-14insC (NM_004820.4, NM_001324112.2).
Identifiers: ClinVar variation 2084030 (VCV002084030.6), dbSNP rs762748027, ClinGen allele CA4764245.